The following is an entry in ClinVar:

ClinVar aggregate classification (germline): Uncertain significance. Review status: criteria provided, multiple submitters, no conflicts (2 of 4 stars). 2 submissions from 2 submitters: Uncertain significance (2). Last evaluated 2025-09-09.

Conditions:
Inborn genetic diseases. Identifiers: MedGen C0950123, MeSH D030342.

gnomAD v4.1: 49 of 1,611,120 alleles (0.003%); highest among the groups gnomAD compares: Admixed American, 0.0083%; no homozygotes.

Submissions (2):

Ambry Genetics
Classification: Uncertain significance for Inborn genetic diseases. Last evaluated: 2025-09-09. Review status: criteria provided, single submitter. Criteria: Ambry Variant Classification Scheme 2023. Collection method: clinical testing. Allele origin: germline.

Dasa
Classification: Uncertain significance. Last evaluated: 2025-01-28. Review status: criteria provided, single submitter. Criteria: DASA Assertion Criteria. Collection method: clinical testing. Allele origin: germline.
Comment: NM_004667.6(HERC2):c.7019G>A (p.Arg2340Gln) is a missense variant that results in the substitution of arginine with glutamine. This variant is rare in population databases. Computational prediction algorithms are consistent with a benign effect. The currently available literature and clinical evidence are not sufficient to establish a definitive association between this variant and the reported condition. Therefore, this variant is classified as a variant of uncertain significance.

NM_004667.6(HERC2):c.7019G>A (p.Arg2340Gln)

Gene: HERC2 (HECT and RLD domain containing E3 ubiquitin protein ligase 2; minus strand). Cytogenetic location: 15q13.1.
Variant type: single nucleotide variant.
Coding change: c.7019G>A on transcript NM_004667.6 (MANE Select); coding-DNA position 7019, G replaced by A.
Protein change: p.Arg2340Gln; replaces arginine 2340 with glutamine.
Molecular consequence: missense variant.
Genome position (GRCh38, 1-based): chr15:28,211,052, C>T on the plus strand (G>A on the coding strand, the complement: HERC2 is on the minus strand). VCF-style: chr15-28211052-C-T. GRCh37 (hg19) VCF-style: chr15-28456198-C-T.
Other names: short protein forms R2340Q.
Identifiers: ClinVar variation 4270273 (VCV004270273.3).